The following is an entry in ClinVar:

NM_152309.3(PIK3AP1):c.1694G>A (p.Arg565Gln)

Gene: PIK3AP1 (phosphoinositide-3-kinase adaptor protein 1; minus strand). Cytogenetic location: 10q24.1.
Variant type: single nucleotide variant.
Coding change: c.1694G>A on transcript NM_152309.3 (MANE Select); coding-DNA position 1694, G replaced by A.
Protein change: p.Arg565Gln; replaces arginine 565 with glutamine.
Molecular consequence: missense variant.
Genome position (GRCh38, 1-based): chr10:96,623,513, C>T on the plus strand (G>A on the coding strand, the complement: PIK3AP1 is on the minus strand). VCF-style: chr10-96623513-C-T. GRCh37 (hg19) VCF-style: chr10-98383270-C-T.
Other names: short protein forms R565Q.
Identifiers: ClinVar variation 2143616 (VCV002143616.4), dbSNP rs201086332, ClinGen allele CA5626186.

ClinVar aggregate classification (germline): Uncertain significance (1 of 4 stars; one submission).

Conditions:
Infantile spasms. Also called: Infantile spasm. Identifiers: MedGen C3887898, HP:0012469.

Allele frequency attached by ClinVar (database versions not stated): ExAC 0.00001; gnomAD 0.00001.
gnomAD v4.1: 12 of 1,611,428 alleles (0.00074%); highest among the groups gnomAD compares: East Asian, 0.0022%; no homozygotes.

Submission:

Labcorp Genetics (formerly Invitae), Labcorp
Classification: Uncertain significance for Infantile spasms. Last evaluated: 2022-01-26. Review status: criteria provided, single submitter. Criteria: Invitae Variant Classification Sherloc (09022015). Collection method: clinical testing. Allele origin: germline.
Comment: In summary, the available evidence is currently insufficient to determine the role of this variant in disease. Therefore, it has been classified as a Variant of Uncertain Significance. Algorithms developed to predict the effect of missense changes on protein structure and function output the following: SIFT: "Tolerated"; PolyPhen-2: "Benign"; Align-GVGD: "Class C0". The glutamine amino acid residue is found in multiple mammalian species, which suggests that this missense change does not adversely affect protein function. This variant has not been reported in the literature in individuals affected with PIK3AP1-related conditions. This variant is present in population databases (rs201086332, gnomAD 0.003%). This sequence change replaces arginine, which is basic and polar, with glutamine, which is neutral and polar, at codon 565 of the PIK3AP1 protein (p.Arg565Gln).